The following is an entry in ClinVar:

ClinVar aggregate classification (germline): Uncertain significance (1 of 4 stars; one submission).

Submission:

Labcorp Genetics (formerly Invitae), Labcorp
Classification: Uncertain significance. Last evaluated: 2023-05-24. Review status: criteria provided, single submitter. Criteria: Invitae Variant Classification Sherloc (09022015). Collection method: clinical testing. Allele origin: germline.
Comment: This sequence change replaces alanine, which is neutral and non-polar, with serine, which is neutral and polar, at codon 730 of the PACS2 protein (p.Ala730Ser). This variant is not present in population databases (gnomAD no frequency). This variant has not been reported in the literature in individuals affected with PACS2-related conditions. Advanced modeling of protein sequence and biophysical properties (such as structural, functional, and spatial information, amino acid conservation, physicochemical variation, residue mobility, and thermodynamic stability) performed at Invitae indicates that this missense variant is not expected to disrupt PACS2 protein function. In summary, the available evidence is currently insufficient to determine the role of this variant in disease. Therefore, it has been classified as a Variant of Uncertain Significance.

NM_001100913.3(PACS2):c.2188G>T (p.Ala730Ser)

Gene: PACS2 (phosphofurin acidic cluster sorting protein 2; plus strand). Cytogenetic location: 14q32.33.
Variant type: single nucleotide variant.
Coding change: c.2188G>T on transcript NM_001100913.3 (MANE Select); coding-DNA position 2188, G replaced by T.
Protein change: p.Ala730Ser; replaces alanine 730 with serine.
Molecular consequence: missense variant.
Genome position (GRCh38, 1-based): chr14:105,391,699, G>T. VCF-style: chr14-105391699-G-T. GRCh37 (hg19) VCF-style: chr14-105858036-G-T.
Other names: c.1918G>T, p.Ala640Ser (NM_001243127.3); c.2143G>T, p.Ala715Ser (NM_015197.4); short protein forms A640S, A730S, A715S.
Identifiers: ClinVar variation 2804118 (VCV002804118.3), dbSNP rs1342459526, ClinGen allele CA391185879.
Genomic context (GRCh38, chr14:105,391,699, plus strand): 5'-GACGACGCGGCCCCCTCGGGCTCTGGCACGCTCTCCTCCACCCCGCCGTCCGCATCTCCT[G>T]CGGCCAAGGAGGCCTCACCCACCCCGCCCTCCTCCCCGTCGGTGAGCGGAGGCCTGTCCT-3'
Protein context (NP_001094383.2, residues 720-740): LSSTPPSASP[Ala730Ser]AKEASPTPPS